The following is an entry in ClinVar:

NM_017849.4(TMEM127):c.-2G>T

Genes: TMEM127 (transmembrane protein 127; minus strand), LOC129934333 (ATAC-STARR-seq lymphoblastoid silent region 11759; plus strand). Cytogenetic location: 2q11.2.
Variant type: single nucleotide variant.
Coding change: c.-2G>T on transcript NM_017849.4 (MANE Select); 2 bases upstream of the start codon, G replaced by T.
Molecular consequence: 5 prime UTR variant. On other transcripts: intron variant (1).
Genome position (GRCh38, 1-based): chr2:96,265,383, C>A on the plus strand (G>T on the coding strand, the complement: TMEM127 is on the minus strand). VCF-style: chr2-96265383-C-A. GRCh37 (hg19) VCF-style: chr2-96931121-C-A.
Other names: c.-2G>T (NM_001193304.3); c.-9+486G>T (NM_001407283.1).
Identifiers: ClinVar variation 822531 (VCV000822531.5), dbSNP rs1409272666, ClinGen allele CA534634975.

ClinVar aggregate classification (germline): Uncertain significance (1 of 4 stars; one submission).

Conditions:
Hereditary cancer-predisposing syndrome. Also called: Tumor predisposition; Hereditary Cancer Syndrome; Neoplastic Syndromes, Hereditary; Hereditary neoplastic syndrome. Identifiers: Orphanet 140162, MedGen C0027672, MeSH D009386, MONDO:0015356.

Allele frequency attached by ClinVar (database versions not stated): gnomAD exomes below 0.00001 and 0.00004; TOPMed below 0.00001.
gnomAD v4.1: 1 of 1,375,334 alleles (0.000073%); highest among the groups gnomAD compares: East Asian, 0.003%; no homozygotes.

Submission:

Ambry Genetics
Classification: Uncertain significance for Hereditary cancer-predisposing syndrome. Last evaluated: 2025-02-14. Review status: criteria provided, single submitter. Criteria: Ambry Variant Classification Scheme 2023. Collection method: clinical testing. Allele origin: germline.
Comment: The c.-2G>T variant is located in the 5' untranslated region (5&rsquo; UTR) of the TMEM127 gene. This variant results from a G to T substitution 2 bases upstream from the first translated codon. This alteration was identified in an individual diagnosed with a pheochromocytoma (Lefebvre S et al. Horm Metab Res, 2012 May;44:334-8). This nucleotide position is well conserved in available vertebrate species. Based on the available evidence, the clinical significance of this variant remains unclear.

Literature cited by the submitters: PubMed 22517554.